The following is an entry in ClinVar:

ClinVar aggregate classification (germline): Benign/Likely benign. Review status: criteria provided, multiple submitters, no conflicts (2 of 4 stars). 6 submissions from 5 submitters: Benign (4); Likely benign (2). Last evaluated 2026-02-01.

Conditions:
Autosomal recessive nonsyndromic hearing loss 21. Identifiers: Orphanet 90636, MedGen C1863655, MONDO:0011351, OMIM 603629.
Autosomal dominant nonsyndromic hearing loss 12. Also called: DEAFNESS, AUTOSOMAL DOMINANT 8. Identifiers: Orphanet 90635, MedGen C1832187, MONDO:0011102, OMIM 601543.

Allele frequency attached by ClinVar (database versions not stated): gnomAD exomes 0.00097 and 0.00248; ExAC 0.00568; gnomAD 0.00992 and 0.01071; 1000 Genomes Project 0.01078; TOPMed 0.01092; 1000 Genomes Project 30x 0.01109; ESP Exome Variant Server 0.01109.
gnomAD v4.1: 2,944 of 1,574,994 alleles (0.19%); highest among the groups gnomAD compares: African/African-American, 3.5%; 54 homozygotes.

Submissions (6):

Labcorp Genetics (formerly Invitae), Labcorp
Classification: Benign. Last evaluated: 2026-02-01. Review status: criteria provided, single submitter. Criteria: Invitae Variant Classification Sherloc (09022015). Collection method: clinical testing. Allele origin: germline.

GeneDx
Classification: Benign. Last evaluated: 2018-06-08. Review status: criteria provided, single submitter. Criteria: GeneDx Variant Classification (06012015). Collection method: clinical testing. Allele origin: germline. Affected: yes.
Comment: This variant is considered likely benign or benign based on one or more of the following criteria: it is a conservative change, it occurs at a poorly conserved position in the protein, it is predicted to be benign by multiple in silico algorithms, and/or has population frequency not consistent with disease.

Illumina Laboratory Services, Illumina
Classification: Benign for Autosomal dominant nonsyndromic hearing loss 12. Last evaluated: 2018-01-13. Review status: criteria provided, single submitter. Criteria: ICSL Variant Classification Criteria 13 December 2019. Collection method: clinical testing. Allele origin: germline.
Comment: This variant was observed in the ICSL laboratory as part of a predisposition screen in an ostensibly healthy population. It had not been previously curated by ICSL or reported in the Human Gene Mutation Database (HGMD: prior to June 1st, 2018), and was therefore a candidate for classification through an automated scoring system. Utilizing variant allele frequency, disease prevalence and penetrance estimates, and inheritance mode, an automated score was calculated to assess if this variant is too frequent to cause the disease. Based on the score and internal cut-off values, a variant classified as benign is not then subjected to further curation. The score for this variant resulted in a classification of benign for this disease.

Illumina Laboratory Services, Illumina
Classification: Likely benign for Autosomal recessive nonsyndromic hearing loss 21. Last evaluated: 2018-01-13. Review status: criteria provided, single submitter. Criteria: ICSL Variant Classification Criteria 13 December 2019. Collection method: clinical testing. Allele origin: germline.
Comment: This variant was observed in the ICSL laboratory as part of a predisposition screen in an ostensibly healthy population. It had not been previously curated by ICSL or reported in the Human Gene Mutation Database (HGMD: prior to June 1st, 2018), and was therefore a candidate for classification through an automated scoring system. Utilizing variant allele frequency, disease prevalence and penetrance estimates, and inheritance mode, an automated score was calculated to assess if this variant is too frequent to cause the disease. Based on the score and internal cut-off values, a variant classified as likely benign is not then subjected to further curation. The score for this variant resulted in a classification of likely benign for this disease.

Laboratory for Molecular Medicine, Mass General Brigham Personalized Medicine
Classification: Benign. Last evaluated: 2012-05-07. Review status: criteria provided, single submitter. Criteria: LMM Criteria. Collection method: clinical testing. Allele origin: germline. Observed: 12 variant alleles.
Comment: 5383+3G>A in Intron 16 of TECTA: This variant is not expected to have clinical s ignificance because it has been identified in 3.0% (113/3732) of African America n chromosomes from a broad population by the NHLBI Exome Sequencing Project (dbSNP rs73583199).

Breakthrough Genomics
Classification: Likely benign. Review status: criteria provided, single submitter. Criteria: ACMG Guidelines, 2015. Collection method: not provided. Allele origin: germline. Inheritance: Autosomal recessive inheritance. Affected: yes.

NM_005422.4(TECTA):c.5383+3G>A

Genes: TBCEL-TECTA (TBCEL-TECTA readthrough; plus strand), TECTA (tectorin alpha; plus strand). Cytogenetic location: 11q23.3.
Variant type: single nucleotide variant.
Coding change: c.5383+3G>A on transcript NM_005422.4 (MANE Select); 3 bases into the intron after coding-DNA position 5383, G replaced by A.
Molecular consequence: intron variant.
Genome position (GRCh38, 1-based): chr11:121,165,386, G>A. VCF-style: chr11-121165386-G-A. GRCh37 (hg19) VCF-style: chr11-121036095-G-A.
Other names: c.6325+3G>A (NM_001378761.1).
Identifiers: ClinVar variation 165368 (VCV000165368.19), dbSNP rs73583199, ClinGen allele CA178110.